The following is an entry in ClinVar:

NM_001080449.3(DNA2):c.1127A>G (p.Gln376Arg)

Gene: DNA2 (DNA replication helicase/nuclease 2; minus strand). Cytogenetic location: 10q21.3.
Variant type: single nucleotide variant.
Coding change: c.1127A>G on transcript NM_001080449.3 (MANE Select); coding-DNA position 1127, A replaced by G.
Protein change: p.Gln376Arg; replaces glutamine 376 with arginine.
Molecular consequence: missense variant. On other transcripts: non-coding transcript variant (1).
Genome position (GRCh38, 1-based): chr10:68,445,014, T>C on the plus strand (A>G on the coding strand, the complement: DNA2 is on the minus strand). VCF-style: chr10-68445014-T-C. GRCh37 (hg19) VCF-style: chr10-70204771-T-C.
Other names: c.1127A>G (NM_001080449.2); short protein forms Q376R.
Identifiers: ClinVar variation 2991298 (VCV002991298.4), dbSNP rs1259324104, ClinGen allele CA376862630.
Genomic context (GRCh38, chr10:68,445,014, plus strand): 5'-CAATATTTACAAGTTTTCTCTTCCTCAATTATTTGTGGCAAAGAAGCAAGCTGTGTCTTC[T>C]GTCTAGTAGCAGATTTGCTAATACGGTGAAACAATGAGAATGCCATCTGGTTTCTTAGCT-3'
Protein context (NP_001073918.2, residues 366-386): FHRISKSATR[Gln376Arg]KTQLASLPQI

ClinVar aggregate classification (germline): Uncertain significance. Review status: criteria provided, multiple submitters, no conflicts (2 of 4 stars). 2 submissions from 2 submitters: Uncertain significance (2). Last evaluated 2025-05-16.

Conditions:
Inborn genetic diseases. Identifiers: MedGen C0950123, MeSH D030342.

Allele frequency attached by ClinVar (database versions not stated): gnomAD exomes 0.00001.
gnomAD v4.1: 7 of 1,613,510 alleles (0.00043%); highest among the groups gnomAD compares: Non-Finnish European, 0.00059%; no homozygotes.

Submissions (2):

Ambry Genetics
Classification: Uncertain significance for Inborn genetic diseases. Last evaluated: 2025-05-16. Review status: criteria provided, single submitter. Criteria: Ambry Variant Classification Scheme 2023. Collection method: clinical testing. Allele origin: germline.

Labcorp Genetics (formerly Invitae), Labcorp
Classification: Uncertain significance. Last evaluated: 2025-03-11. Review status: criteria provided, single submitter. Criteria: Invitae Variant Classification Sherloc (09022015). Collection method: clinical testing. Allele origin: germline.
Comment: This sequence change replaces glutamine, which is neutral and polar, with arginine, which is basic and polar, at codon 376 of the DNA2 protein (p.Gln376Arg). This variant is present in population databases (no rsID available, gnomAD 0.002%). This variant has not been reported in the literature in individuals affected with DNA2-related conditions. ClinVar contains an entry for this variant (Variation ID: 2991298). Experimental studies and prediction algorithms are not available or were not evaluated, and the functional significance of this variant is currently unknown. In summary, the available evidence is currently insufficient to determine the role of this variant in disease. Therefore, it has been classified as a Variant of Uncertain Significance.